The following is an entry in ClinVar:

ClinVar aggregate classification (germline): Benign/Likely benign. Review status: criteria provided, multiple submitters, no conflicts (2 of 4 stars). 3 submissions from 3 submitters: Benign (1); Likely benign (2). Last evaluated 2026-06-11.

Conditions:
Tumor predisposition syndrome 2 (TPDS2). Also called: MBD4-ASSOCIATED NEOPLASIA SYNDROME; MBD4-Related Tumor Predisposition Syndrome; MBD4-associated neoplasia syndrome (MANS). Identifiers: Orphanet 661526, MedGen C5774186, MONDO:0859267, OMIM 619975.
Inborn genetic diseases. Identifiers: MedGen C0950123, MeSH D030342.

Allele frequency attached by ClinVar (database versions not stated): TOPMed below 0.00001; gnomAD exomes 0.00001.
gnomAD v4.1: 5 of 1,614,088 alleles (0.00031%); highest among the groups gnomAD compares: Non-Finnish European, 0.00042%; no homozygotes.

Submissions (3):

Myriad Genetics, Inc.
Classification: Benign for Tumor predisposition syndrome 2. Last evaluated: 2026-06-11. Review status: criteria provided, single submitter. Criteria: Myriad Autosomal Dominant, Autosomal Recessive and X-Linked Classification Criteria (2023). Collection method: clinical testing. Allele origin: unknown.
Comment: This variant is considered benign. This variant is a silent/synonymous amino acid change and it is not expected to impact splicing.

Labcorp Genetics (formerly Invitae), Labcorp
Classification: Likely benign. Last evaluated: 2026-01-28. Review status: criteria provided, single submitter. Criteria: Invitae Variant Classification Sherloc (09022015). Collection method: clinical testing. Allele origin: germline.

Ambry Genetics
Classification: Likely benign for Inborn genetic diseases. Last evaluated: 2025-05-09. Review status: criteria provided, single submitter. Criteria: Ambry Variant Classification Scheme 2023. Collection method: clinical testing. Allele origin: germline.

NM_001276270.2(MBD4):c.501A>G (p.Leu167=)

Gene: MBD4 (methyl-CpG binding domain 4, DNA glycosylase; minus strand). Cytogenetic location: 3q21.3.
Variant type: single nucleotide variant.
Coding change: c.501A>G on transcript NM_001276270.2 (MANE Select); coding-DNA position 501, A replaced by G.
Protein change: p.Leu167=; no amino-acid change (leucine 167 retained).
Molecular consequence: synonymous variant. On other transcripts: intron variant (1).
Genome position (GRCh38, 1-based): chr3:129,437,143, T>C on the plus strand (A>G on the coding strand, the complement: MBD4 is on the minus strand). VCF-style: chr3-129437143-T-C. GRCh37 (hg19) VCF-style: chr3-129155986-T-C.
Other names: c.501A>G, p.Leu167= (NM_001276271.2, NM_001276272.2, NM_003925.3); c.247+665A>G (NM_001276273.2).
Identifiers: ClinVar variation 2839005 (VCV002839005.5), dbSNP rs942539431, ClinGen allele CA82636812.